The following is an entry in ClinVar:

ClinVar aggregate classification (germline): Uncertain significance (1 of 4 stars; one submission).

Conditions:
Intellectual developmental disorder, autosomal dominant 1. Also called: Intellectual disability, autosomal dominant 1; MBD5 Haploinsufficiency. Identifiers: Orphanet 228402, MedGen C1969562, MONDO:0007974, OMIM 156200.

Allele frequency attached by ClinVar (database versions not stated): TOPMed 0.00001; gnomAD exomes below 0.00001.
gnomAD v4.1: 4 of 1,613,916 alleles (0.00025%); highest among the groups gnomAD compares: African/African-American, 0.0013%; no homozygotes.

Submission:

Labcorp Genetics (formerly Invitae), Labcorp
Classification: Uncertain significance for Mental retardation, autosomal dominant 1. Last evaluated: 2019-03-26. Review status: criteria provided, single submitter. Criteria: Invitae Variant Classification Sherloc (09022015). Collection method: clinical testing. Allele origin: germline.
Comment: This sequence change replaces threonine with alanine at codon 627 of the MBD5 protein (p.Thr627Ala). The threonine residue is highly conserved and there is a small physicochemical difference between threonine and alanine. This variant is not present in population databases (ExAC no frequency). This variant has not been reported in the literature in individuals with MBD5-related conditions. Algorithms developed to predict the effect of missense changes on protein structure and function output the following: SIFT: "Tolerated"; PolyPhen-2: "Benign"; Align-GVGD: "Class C0". The alanine amino acid residue is found in multiple mammalian species, suggesting that this missense change does not adversely affect protein function. These predictions have not been confirmed by published functional studies and their clinical significance is uncertain. In summary, the available evidence is currently insufficient to determine the role of this variant in disease. Therefore, it has been classified as a Variant of Uncertain Significance.

NM_001378120.1(MBD5):c.1879A>G (p.Thr627Ala)

Gene: MBD5 (methyl-CpG binding domain protein 5; plus strand). Cytogenetic location: 2q23.1.
Variant type: single nucleotide variant.
Coding change: c.1879A>G on transcript NM_001378120.1 (MANE Select); coding-DNA position 1879, A replaced by G.
Protein change: p.Thr627Ala; replaces threonine 627 with alanine.
Molecular consequence: missense variant.
Genome position (GRCh38, 1-based): chr2:148,469,822, A>G. VCF-style: chr2-148469822-A-G. GRCh37 (hg19) VCF-style: chr2-149227391-A-G.
Other names: c.1879A>G, p.Thr627Ala (NM_018328.5); short protein forms T627A.
Identifiers: ClinVar variation 858573 (VCV000858573.1), dbSNP rs779256872, ClinGen allele CA348720637.